The following is an entry in ClinVar:

NM_024753.5(TTC21B):c.1609T>G (p.Leu537Val)

Gene: TTC21B (tetratricopeptide repeat domain 21B; minus strand). Cytogenetic location: 2q24.3.
Variant type: single nucleotide variant.
Coding change: c.1609T>G on transcript NM_024753.5 (MANE Select); coding-DNA position 1609, T replaced by G.
Protein change: p.Leu537Val; replaces leucine 537 with valine.
Molecular consequence: missense variant.
Genome position (GRCh38, 1-based): chr2:165,919,341, A>C on the plus strand (T>G on the coding strand, the complement: TTC21B is on the minus strand). VCF-style: chr2-165919341-A-C. GRCh37 (hg19) VCF-style: chr2-166775851-A-C.
Other names: short protein forms L537V.
Identifiers: ClinVar variation 1370440 (VCV001370440.5), dbSNP rs200916824, ClinGen allele CA1942070.

ClinVar aggregate classification (germline): Uncertain significance. Review status: criteria provided, multiple submitters, no conflicts (2 of 4 stars). 2 submissions from 2 submitters: Uncertain significance (2). Last evaluated 2024-05-08.

Conditions:
Jeune thoracic dystrophy. Also called: Jeune syndrome; Infantile thoracic dystrophy; Thoracic pelvic phalangeal dystrophy; Jeune's syndrome; Chondroectodermal dysplasia-like syndrome; Short-rib thoracic dysplasia. Identifiers: Orphanet 474, MedGen C0265275, MONDO:0018770.
Nephronophthisis. Also called: Juvenile Nephronophthisis. Identifiers: Orphanet 655, MedGen C0687120, MONDO:0019005, HP:0000090.
Nephronophthisis 12 (NPHP12). Identifiers: Orphanet 655, MedGen C3151186, MONDO:0013442, OMIM 613820.
Asphyxiating thoracic dystrophy 4 (SRTD4). Also called: SHORT-RIB THORACIC DYSPLASIA 4 WITH OR WITHOUT POLYDACTYLY; SHORT-RIB THORACIC DYSPLASIA 4. Identifiers: Orphanet 474, MedGen C3151185, MONDO:0013441, OMIM 613819.

Allele frequency attached by ClinVar (database versions not stated): TOPMed below 0.00001; ExAC 0.00001; gnomAD 0.00001; gnomAD exomes 0.00001; 1000 Genomes Project 30x 0.00016; 1000 Genomes Project 0.00020.
gnomAD v4.1: 15 of 1,614,148 alleles (0.00093%); highest among the groups gnomAD compares: Admixed American, 0.0033%; no homozygotes.

Submissions (2):

Fulgent Genetics
Classification: Uncertain significance for Asphyxiating thoracic dystrophy 4; Nephronophthisis 12. Last evaluated: 2024-05-08. Review status: criteria provided, single submitter. Criteria: ACMG Guidelines, 2015. Collection method: clinical testing. Allele origin: germline.

Labcorp Genetics (formerly Invitae), Labcorp
Classification: Uncertain significance for Jeune thoracic dystrophy; Nephronophthisis. Last evaluated: 2021-10-03. Review status: criteria provided, single submitter. Criteria: Invitae Variant Classification Sherloc (09022015). Collection method: clinical testing. Allele origin: germline.
Comment: This sequence change replaces leucine with valine at codon 537 of the TTC21B protein (p.Leu537Val). The leucine residue is highly conserved and there is a small physicochemical difference between leucine and valine. This variant is present in population databases (rs200916824, ExAC 0.009%). This variant has not been reported in the literature in individuals affected with TTC21B-related conditions. Algorithms developed to predict the effect of missense changes on protein structure and function are either unavailable or do not agree on the potential impact of this missense change (SIFT: "Deleterious"; PolyPhen-2: "Possibly Damaging"; Align-GVGD: "Class C0"). In summary, the available evidence is currently insufficient to determine the role of this variant in disease. Therefore, it has been classified as a Variant of Uncertain Significance.